The following is an entry in ClinVar:

NM_001101362.3(KBTBD13):c.784G>A (p.Ala262Thr)

Gene: KBTBD13 (kelch repeat and BTB domain containing 13; plus strand). Cytogenetic location: 15q22.31.
Variant type: single nucleotide variant.
Coding change: c.784G>A on transcript NM_001101362.3 (MANE Select); coding-DNA position 784, G replaced by A.
Protein change: p.Ala262Thr; replaces alanine 262 with threonine.
Molecular consequence: missense variant.
Genome position (GRCh38, 1-based): chr15:65,077,599, G>A. VCF-style: chr15-65077599-G-A. GRCh37 (hg19) VCF-style: chr15-65369937-G-A.
Other names: short protein forms A262T.
Identifiers: ClinVar variation 2157012 (VCV002157012.5), dbSNP rs2086995339, ClinGen allele CA392863225.

ClinVar aggregate classification (germline): Uncertain significance. Review status: criteria provided, multiple submitters, no conflicts (2 of 4 stars). 2 submissions from 2 submitters: Uncertain significance (2). Last evaluated 2025-08-21.

Conditions:
Inborn genetic diseases. Identifiers: MedGen C0950123, MeSH D030342.
Nemaline myopathy 6 (NEM6). Also called: Nemaline myopathy 6, autosomal dominant. Identifiers: Orphanet 171439, MedGen C1836472, MONDO:0012237, OMIM 609273.

gnomAD v4.1: 1 of 1,575,818 alleles (0.000063%); highest among the groups gnomAD compares: Non-Finnish European, 0.000086%; no homozygotes.

Submissions (2):

Ambry Genetics
Classification: Uncertain significance for Inborn genetic diseases. Last evaluated: 2025-08-21. Review status: criteria provided, single submitter. Criteria: Ambry Variant Classification Scheme 2023. Collection method: clinical testing. Allele origin: germline.

Labcorp Genetics (formerly Invitae), Labcorp
Classification: Uncertain significance for Nemaline myopathy 6. Last evaluated: 2025-04-14. Review status: criteria provided, single submitter. Criteria: Invitae Variant Classification Sherloc (09022015). Collection method: clinical testing. Allele origin: germline.
Comment: This sequence change replaces alanine, which is neutral and non-polar, with threonine, which is neutral and polar, at codon 262 of the KBTBD13 protein (p.Ala262Thr). This variant is not present in population databases (gnomAD no frequency). This variant has not been reported in the literature in individuals affected with KBTBD13-related conditions. ClinVar contains an entry for this variant (Variation ID: 2157012). Invitae Evidence Modeling of protein sequence and biophysical properties (such as structural, functional, and spatial information, amino acid conservation, physicochemical variation, residue mobility, and thermodynamic stability) indicates that this missense variant is not expected to disrupt KBTBD13 protein function with a negative predictive value of 80%. In summary, the available evidence is currently insufficient to determine the role of this variant in disease. Therefore, it has been classified as a Variant of Uncertain Significance.